The following is an entry in ClinVar:

ClinVar aggregate classification (germline): Conflicting classifications of pathogenicity. Review status: criteria provided, conflicting classifications (1 of 4 stars). 13 submissions from 13 submitters: Uncertain significance (10); Likely benign (2). 1 of the submissions does not count toward it. Last evaluated 2025-11-30.

Conditions:
Xeroderma pigmentosum (XP). Identifiers: Orphanet 910, MedGen C0043346, MONDO:0019600.
Xeroderma pigmentosum, group C (XPC). Also called: Xeroderma pigmentosum, complementation group C; XERODERMA PIGMENTOSUM III; XP, GROUP C; XPC-Related Xeroderma Pigmentosum. Identifiers: Orphanet 910, MedGen C2752147, MONDO:0010211, OMIM 278720.

Allele frequency attached by ClinVar (database versions not stated): 1000 Genomes Project 30x 0.00016; 1000 Genomes Project 0.00020; ExAC 0.00079; TOPMed 0.00085; ESP Exome Variant Server 0.00087; gnomAD exomes 0.00088 and 0.00138; gnomAD 0.00094 and 0.00098.
gnomAD v4.1: 2,125 of 1,613,848 alleles (0.13%); highest among the groups gnomAD compares: Non-Finnish European, 0.17%; 2 homozygotes.

Submissions (13):

Dasa
Classification: Likely benign. Last evaluated: 2025-11-30. Review status: criteria provided, single submitter. Criteria: DASA Assertion Criteria. Collection method: clinical testing. Allele origin: germline.
Comment: NM_004628.5(XPC):c.1177C>T (p.Arg393Trp) is a missense variant that results in the substitution of arginine with tryptophan. Multiple computational predictions suggest no deleterious effect on the gene or gene product. The variant is present at low frequency in population datasets. Based on the available data, this variant is classified as likely benign.

Women's Health and Genetics/Laboratory Corporation of America, LabCorp
Classification: Uncertain significance. Last evaluated: 2025-05-23. Review status: criteria provided, single submitter. Criteria: LabCorp Variant Classification Summary - May 2015. Collection method: clinical testing. Allele origin: germline.
Comment: Variant summary: XPC c.1177C>T (p.Arg393Trp) results in a non-conservative amino acid change in the encoded protein sequence. Algorithms developed to predict the effect of missense changes on protein structure and function are either unavailable or do not agree on the potential impact of this missense change. The variant allele was found at a frequency of 0.00088 in 249252 control chromosomes. The observed variant frequency is higher than the estimated maximal expected allele frequency for a pathogenic variant in XPC causing Xeroderma Pigmentosum phenotype (0.00071). To our knowledge, no occurrence of c.1177C>T in individuals affected with Xeroderma Pigmentosum has been reported. At least one publication reports experimental evidence evaluating an impact on protein function, however, does not allow convincing conclusions about the variant effect. The authors report a moderate reduction in recruitment of XPC protein to focal DNA damage in an in-vitro system utilizing GFP-tagged XPC plasmids (Qiao_2011). The following publication have been ascertained in the context of this evaluation (PMID: 21273643). ClinVar contains an entry for this variant (Variation ID: 135484). Based on the evidence outlined above, the variant was classified as VUS-possibly benign.

Labcorp Genetics (formerly Invitae), Labcorp
Classification: Uncertain significance. Last evaluated: 2025-01-23. Review status: criteria provided, single submitter. Criteria: Invitae Variant Classification Sherloc (09022015). Collection method: clinical testing. Allele origin: germline.
Comment: This sequence change replaces arginine, which is basic and polar, with tryptophan, which is neutral and slightly polar, at codon 393 of the XPC protein (p.Arg393Trp). This variant is present in population databases (rs121965090, gnomAD 0.2%), and has an allele count higher than expected for a pathogenic variant. This variant has not been reported in the literature in individuals affected with XPC-related conditions. ClinVar contains an entry for this variant (Variation ID: 135484). Invitae Evidence Modeling of protein sequence and biophysical properties (such as structural, functional, and spatial information, amino acid conservation, physicochemical variation, residue mobility, and thermodynamic stability) indicates that this missense variant is not expected to disrupt XPC protein function with a negative predictive value of 80%. In summary, the available evidence is currently insufficient to determine the role of this variant in disease. Therefore, it has been classified as a Variant of Uncertain Significance.

Blueprint Genetics
Classification: Uncertain significance. Last evaluated: 2024-11-20. Review status: criteria provided, single submitter. Criteria: ACMG Guidelines, 2015. Collection method: clinical testing. Allele origin: germline.

CeGaT Center for Human Genetics Tuebingen
Classification: Likely benign. Last evaluated: 2024-09-01. Review status: criteria provided, single submitter. Criteria: CeGaT Center For Human Genetics Tuebingen Variant Classification Criteria Version 2. Collection method: clinical testing. Allele origin: germline. Affected: yes. Observed: 2 variant alleles.
Comment: XPC: BP4

GeneDx
Classification: Uncertain significance. Last evaluated: 2023-04-03. Review status: criteria provided, single submitter. Criteria: GeneDx Variant Classification Process June 2021. Collection method: clinical testing. Allele origin: germline. Affected: yes.
Comment: In silico analysis supports that this missense variant does not alter protein structure/function; Published functional studies support a damaging effect: moderate reduction in recruitment of XPC protein to focal DNA damage (Qiao et al., 2011); Observed in individuals with colorectal, bladder, and other cancers, as well as in healthy controls (Qiao et al., 2011; Bodian et al., 2014; Matejcic et al., 2021); This variant is associated with the following publications: (PMID: 21273643, 35530314, 24728327, 33627384)

Fulgent Genetics
Classification: Uncertain significance for Xeroderma pigmentosum, group C. Last evaluated: 2022-03-10. Review status: criteria provided, single submitter. Criteria: ACMG Guidelines, 2015. Collection method: clinical testing. Allele origin: unknown.

Sema4
Classification: Uncertain significance for Xeroderma pigmentosum. Last evaluated: 2021-11-25. Review status: criteria provided, single submitter. Criteria: Sema4 Curation Guidelines. Collection method: curation. Allele origin: germline.
Comment: The XPC c.1177C>T (p.R393W) has been reported in heterozygous state in 7 individuals with bladder cancer and 3 controls from the same study (PMID: 21273643). It was observed in 202/128412 chromosomes of the Non-Finnish European subpopulation, with no homozygotes, in the large and broad cohorts of the Genome Aggregation Database (PMID: 32461654). The variant has been reported in ClinVar (Variation ID 135484). In silico tools suggest the impact of the variant on protein function is benign, though these predictions have not been confirmed by functional studies. The evidence is insufficient to meet ACMG/AMP criteria for classifying the variant as benign or pathogenic. Thus, the clinical significance of this variant is currently uncertain.

Institute for Clinical Genetics, University Hospital TU Dresden, University Hospital TU Dresden
Classification: Uncertain significance. Last evaluated: 2021-11-03. Review status: criteria provided, single submitter. Criteria: ACMG Guidelines, 2015. Collection method: clinical testing. Allele origin: germline.

Baylor Genetics
Classification: Uncertain significance for Xeroderma pigmentosum, group C. Last evaluated: 2021-02-09. Review status: criteria provided, single submitter. Criteria: ACMG Guidelines, 2015. Collection method: clinical testing. Allele origin: unknown. Affected: yes. Study: CSER-TexasKidsCanSeq.
Comment: This variant was determined to be of uncertain significance according to ACMG Guidelines, 2015 [PMID:25741868].

Mayo Clinic Laboratories, Mayo Clinic
Classification: Uncertain significance. Last evaluated: 2020-12-21. Review status: criteria provided, single submitter. Criteria: ACMG Guidelines, 2015. Collection method: clinical testing. Allele origin: germline. Observed: 1 variant allele.

Illumina Laboratory Services, Illumina
Classification: Uncertain significance for Xeroderma pigmentosum, group C. Last evaluated: 2017-04-27. Review status: criteria provided, single submitter. Criteria: ICSL Variant Classification Criteria 13 December 2019. Collection method: clinical testing. Allele origin: germline.

ITMI
No classification provided. Condition: AllHighlyPenetrant. Last evaluated: 2013-09-19. Review status: no classification provided. Collection method: reference population. Allele origin: germline. Not counted in ClinVar's aggregate classification.
Comment: Please see associated publication for description of ethnicities

Literature cited by the submitters: PubMed 21273643 (cited by Women's Health and Genetics/Laboratory Corporation of America, LabCorp and Sema4); PubMed 24728327 (cited by ITMI).

NM_004628.5(XPC):c.1177C>T (p.Arg393Trp)

Gene: XPC (XPC complex subunit, DNA damage recognition and repair factor; minus strand). Cytogenetic location: 3p25.1.
Variant type: single nucleotide variant.
Coding change: c.1177C>T on transcript NM_004628.5 (MANE Select); coding-DNA position 1177, C replaced by T.
Protein change: p.Arg393Trp; replaces arginine 393 with tryptophan.
Molecular consequence: missense variant. On other transcripts: non-coding transcript variant (2).
Genome position (GRCh38, 1-based): chr3:14,158,706, G>A on the plus strand (C>T on the coding strand, the complement: XPC is on the minus strand). VCF-style: chr3-14158706-G-A. GRCh37 (hg19) VCF-style: chr3-14200206-G-A.
Other names: c.598C>T, p.Arg200Trp (NM_001354726.2); c.1177C>T, p.Arg393Trp (NM_001354727.2, NM_001354730.2); c.1159C>T, p.Arg387Trp (NM_001354729.2); short protein forms R393W, R387W, R200W.
Identifiers: ClinVar variation 135484 (VCV000135484.64), dbSNP rs121965090, ClinGen allele CA162910.